The following is an entry in ClinVar:

ClinVar aggregate classification (germline): Likely benign. Review status: criteria provided, single submitter (1 of 4 stars). 2 submissions from 2 submitters: Likely benign (1). 1 of the submissions does not count toward it. Last evaluated 2025-06-17.

Conditions:
SPTB-related disorder. Also called: SPTB-related condition; SPTB-Related Disorders.

Allele frequency attached by ClinVar (database versions not stated): ExAC 0.00005; TOPMed 0.00007; ESP Exome Variant Server 0.00008; gnomAD 0.00008; gnomAD exomes 0.00011.
gnomAD v4.1: 167 of 1,614,004 alleles (0.01%); highest among the groups gnomAD compares: Non-Finnish European, 0.013%; no homozygotes.

Submissions (2):

Mayo Clinic Laboratories, Mayo Clinic
Classification: Likely benign. Last evaluated: 2025-06-17. Review status: criteria provided, single submitter. Criteria: ACMG Guidelines, 2015. Collection method: clinical testing. Allele origin: germline. Observed: 2 variant alleles.
Comment: BP4, BP7, PM2_supporting

PreventionGenetics, part of Exact Sciences
Classification: Likely benign for SPTB-related condition. Last evaluated: 2019-04-01. Review status: no assertion criteria provided. Collection method: clinical testing. Allele origin: germline. Not counted in ClinVar's aggregate classification.
Comment: This variant is classified as likely benign based on ACMG/AMP sequence variant interpretation guidelines (Richards et al. 2015 PMID: 25741868, with internal and published modifications).

NM_001355436.2(SPTB):c.1059G>A (p.Pro353=)

Gene: SPTB (spectrin beta, erythrocytic; minus strand). Cytogenetic location: 14q23.3.
Variant type: single nucleotide variant.
Coding change: c.1059G>A on transcript NM_001355436.2 (MANE Select); coding-DNA position 1059, G replaced by A.
Protein change: p.Pro353=; no amino-acid change (proline 353 retained).
Molecular consequence: synonymous variant.
Genome position (GRCh38, 1-based): chr14:64,799,752, C>T on the plus strand (G>A on the coding strand, the complement: SPTB is on the minus strand). VCF-style: chr14-64799752-C-T. GRCh37 (hg19) VCF-style: chr14-65266470-C-T.
Other names: p.Pro353=; c.1059G>A, p.Pro353= (NM_001024858.4, NM_001355437.2).
Identifiers: ClinVar variation 3058741 (VCV003058741.3), dbSNP rs369464948, ClinGen allele CA7231246.